The following is an entry in ClinVar:

ClinVar aggregate classification (germline): Pathogenic (1 of 4 stars; one submission).

Conditions:
Fanconi anemia (FA). Also called: Fanconi's anemia. Identifiers: Orphanet 84, MedGen C0015625, MeSH D005199, MONDO:0019391.

Submission:

Labcorp Genetics (formerly Invitae), Labcorp
Classification: Pathogenic for Fanconi anemia. Last evaluated: 2023-12-14. Review status: criteria provided, single submitter. Criteria: Invitae Variant Classification Sherloc (09022015). Collection method: clinical testing. Allele origin: unknown.
Comment: This variant results in the deletion of exons 27-36 and part of exon 37 (c.2505-1163_3709del) of the FANCA gene. It is expected to disrupt RNA splicing. Variants that disrupt the donor or acceptor splice site typically lead to a loss of protein function (PMID: 16199547), and loss-of-function variants in FANCA are known to be pathogenic (PMID: 19367192). This variant has not been reported in the literature in individuals affected with FANCA-related conditions. This variant disrupts a region of the FANCA protein in which other variant(s) (p.Trp1174del) have been determined to be pathogenic (PMID: 9371789, 12444097, 17924555, 23613520, 25703136). This suggests that this is a clinically significant region of the protein, and that variants that disrupt it are likely to be disease-causing. For these reasons, this variant has been classified as Pathogenic.

Literature cited by the submitters: PubMed 16199547; PubMed 19367192; PubMed 9371789; PubMed 12444097; PubMed 17924555; PubMed 23613520; PubMed 25703136.

NC_000016.9:g.(?_89809264)_(89834808_?)del

Gene: FANCA (FA complementation group A; minus strand). Cytogenetic location: 16q24.3.
Variant type: Deletion.
Identifiers: ClinVar variation 3243295 (VCV003243295.1).